The following is an entry in ClinVar:

ClinVar aggregate classification (germline): Uncertain significance. Review status: criteria provided, multiple submitters, no conflicts (2 of 4 stars). 2 submissions from 2 submitters: Uncertain significance (2). Last evaluated 2025-06-18.

Conditions:
Inborn genetic diseases. Identifiers: MedGen C0950123, MeSH D030342.

Allele frequency attached by ClinVar (database versions not stated): ExAC 0.00002; gnomAD 0.00003 and 0.00004.
gnomAD v4.1: 10 of 1,613,986 alleles (0.00062%); highest among the groups gnomAD compares: South Asian, 0.0011%; no homozygotes.

Submissions (2):

Ambry Genetics
Classification: Uncertain significance for Inborn genetic diseases. Last evaluated: 2025-06-18. Review status: criteria provided, single submitter. Criteria: Ambry Variant Classification Scheme 2023. Collection method: clinical testing. Allele origin: germline.

Labcorp Genetics (formerly Invitae), Labcorp
Classification: Uncertain significance. Last evaluated: 2023-12-31. Review status: criteria provided, single submitter. Criteria: Invitae Variant Classification Sherloc (09022015). Collection method: clinical testing. Allele origin: germline.
Comment: This sequence change replaces phenylalanine, which is neutral and non-polar, with leucine, which is neutral and non-polar, at codon 1226 of the MCM3AP protein (p.Phe1226Leu). This variant is present in population databases (rs751701762, gnomAD 0.006%). This variant has not been reported in the literature in individuals affected with MCM3AP-related conditions. ClinVar contains an entry for this variant (Variation ID: 1518830). An algorithm developed to predict the effect of missense changes on protein structure and function (PolyPhen-2) suggests that this variant is likely to be disruptive. In summary, the available evidence is currently insufficient to determine the role of this variant in disease. Therefore, it has been classified as a Variant of Uncertain Significance.

NM_003906.5(MCM3AP):c.3678C>G (p.Phe1226Leu)

Gene: MCM3AP (minichromosome maintenance complex component 3 associated protein; minus strand). Cytogenetic location: 21q22.3.
Variant type: single nucleotide variant.
Coding change: c.3678C>G on transcript NM_003906.5 (MANE Select); coding-DNA position 3678, C replaced by G.
Protein change: p.Phe1226Leu; replaces phenylalanine 1226 with leucine.
Molecular consequence: missense variant.
Genome position (GRCh38, 1-based): chr21:46,258,995, G>C on the plus strand (C>G on the coding strand, the complement: MCM3AP is on the minus strand). VCF-style: chr21-46258995-G-C. GRCh37 (hg19) VCF-style: chr21-47678909-G-C.
Other names: c.3678C>G (NM_003906.3); short protein forms F1226L.
Identifiers: ClinVar variation 1518830 (VCV001518830.7), dbSNP rs751701762, ClinGen allele CA10076418.